The following is an entry in ClinVar:

ClinVar aggregate classification (germline): Uncertain significance (1 of 4 stars; one submission).

Submission:

GeneDx
Classification: Uncertain significance. Last evaluated: 2022-01-14. Review status: criteria provided, single submitter. Criteria: GeneDx Variant Classification Process June 2021. Collection method: clinical testing. Allele origin: germline. Affected: yes.
Comment: Not observed at significant frequency in large population cohorts (gnomAD); In silico analysis supports that this missense variant does not alter protein structure/function; Has not been previously published as pathogenic or benign to our knowledge

NM_001394062.1(MACF1):c.18676A>C (p.Met6226Leu)

Gene: MACF1 (microtubule actin crosslinking factor 1; plus strand). Cytogenetic location: 1p34.3.
Variant type: single nucleotide variant.
Coding change: c.18676A>C on transcript NM_001394062.1 (MANE Select); coding-DNA position 18676, A replaced by C.
Protein change: p.Met6226Leu; replaces methionine 6226 with leucine.
Molecular consequence: missense variant.
Genome position (GRCh38, 1-based): chr1:39,441,955, A>C. VCF-style: chr1-39441955-A-C. GRCh37 (hg19) VCF-style: chr1-39907627-A-C.
Other names: c.6754A>C, p.Met2252Leu (NM_001397473.1); c.12499A>C, p.Met4167Leu (NM_012090.5); short protein forms M2252L, M4167L, M6226L.
Identifiers: ClinVar variation 1697070 (VCV001697070.2), dbSNP rs184077740, ClinGen allele CA339811173.
Genomic context (GRCh38, chr1:39,441,955, plus strand): 5'-AATTCTCTCCCAAATTCTTCTGGTTGTTTTTGACTGTTTACTTGTCTTTTGTTCTAGGCT[A>C]TGTTTGACTGGCTAGATAACACTGTGATTAAACTCTGCACCATGCCCCCTGTTGGCACTG-3'
Protein context (NP_001380991.1, residues 6216-6236): AVQYQDTLQA[Met6226Leu]FDWLDNTVIK